The following is an entry in ClinVar:

NM_000051.4(ATM):c.6620A>G (p.Lys2207Arg)

Genes: C11orf65 (chromosome 11 open reading frame 65; minus strand), ATM (ATM serine/threonine kinase; plus strand). Cytogenetic location: 11q22.3.
Variant type: single nucleotide variant.
Coding change: c.6620A>G on transcript NM_000051.4 (MANE Select); coding-DNA position 6620, A replaced by G.
Protein change: p.Lys2207Arg; replaces lysine 2207 with arginine.
Molecular consequence: missense variant. On other transcripts: intron variant (2).
Genome position (GRCh38, 1-based): chr11:108,325,357, A>G. VCF-style: chr11-108325357-A-G. GRCh37 (hg19) VCF-style: chr11-108196084-A-G.
Other names: c.6620A>G, p.Lys2207Arg (NM_001351834.2); c.641-16286T>C (NM_001330368.2); c.*38+9863T>C (NM_001351110.2); short protein forms K2207R.
Identifiers: ClinVar variation 577233 (VCV000577233.7), dbSNP rs1565518213, ClinGen allele CA382554748.
Genomic context (GRCh38, chr11:108,325,357, plus strand): 5'-TCGTGGCATTCAGATCAGTCACACATAGACAACTCTCTGAAGTATATATTAAGTGGCAGA[A>G]ACACTCCCAGCTTCTCAAGGACAGTGATTTTAGTTTTCAGGAGCCTATCATGGCTCTACG-3'
Protein context (NP_000042.3, residues 2197-2217): QLSEVYIKWQ[Lys2207Arg]HSQLLKDSDF

ClinVar aggregate classification (germline): Uncertain significance (1 of 4 stars; one submission).

Conditions:
Ataxia-telangiectasia syndrome (AT). Also called: Cerebello-oculocutaneous telangiectasia; Immunodeficiency with ataxia telangiectasia; Ataxia-telangiectasia, complementation group E; Ataxia-telangiectasia, complementation group D; AT, COMPLEMENTATION GROUP C; ATAXIA-TELANGIECTASIA, COMPLEMENTATION GROUP A. Identifiers: Orphanet 100, MedGen C0004135, MONDO:0008840, OMIM 208900.

Submission:

Labcorp Genetics (formerly Invitae), Labcorp
Classification: Uncertain significance for Ataxia-telangiectasia syndrome. Last evaluated: 2021-12-09. Review status: criteria provided, single submitter. Criteria: Invitae Variant Classification Sherloc (09022015). Collection method: clinical testing. Allele origin: germline.
Comment: In summary, the available evidence is currently insufficient to determine the role of this variant in disease. Therefore, it has been classified as a Variant of Uncertain Significance. Advanced modeling of protein sequence and biophysical properties (such as structural, functional, and spatial information, amino acid conservation, physicochemical variation, residue mobility, and thermodynamic stability) performed at Invitae indicates that this missense variant is not expected to disrupt ATM protein function. ClinVar contains an entry for this variant (Variation ID: 577233). This variant has not been reported in the literature in individuals affected with ATM-related conditions. This variant is not present in population databases (gnomAD no frequency). This sequence change replaces lysine, which is basic and polar, with arginine, which is basic and polar, at codon 2207 of the ATM protein (p.Lys2207Arg).